The following is an entry in ClinVar:

ClinVar aggregate classification (germline): Uncertain significance (1 of 4 stars; one submission).

Allele frequency attached by ClinVar (database versions not stated): TOPMed below 0.00001; gnomAD 0.00001.
gnomAD v4.1: 1 of 1,614,004 alleles (0.000062%); highest among the groups gnomAD compares: African/African-American, 0.0013%; no homozygotes.

Submission:

GeneDx
Classification: Uncertain significance. Last evaluated: 2022-09-15. Review status: criteria provided, single submitter. Criteria: GeneDx Variant Classification Process June 2021. Collection method: clinical testing. Allele origin: germline. Affected: yes.
Comment: Not observed at significant frequency in large population cohorts (gnomAD); In silico analysis supports that this missense variant does not alter protein structure/function; Has not been previously published as pathogenic or benign to our knowledge

NM_014159.7(SETD2):c.5585C>G (p.Thr1862Ser)

Gene: SETD2 (SET domain containing 2, histone lysine methyltransferase; minus strand). Cytogenetic location: 3p21.31.
Variant type: single nucleotide variant.
Coding change: c.5585C>G on transcript NM_014159.7 (MANE Select); coding-DNA position 5585, C replaced by G.
Protein change: p.Thr1862Ser; replaces threonine 1862 with serine.
Molecular consequence: missense variant. On other transcripts: non-coding transcript variant (1).
Genome position (GRCh38, 1-based): chr3:47,084,195, G>C on the plus strand (C>G on the coding strand, the complement: SETD2 is on the minus strand). VCF-style: chr3-47084195-G-C. GRCh37 (hg19) VCF-style: chr3-47125685-G-C.
Other names: c.5453C>G, p.Thr1818Ser (NM_001349370.3); short protein forms T1818S, T1862S.
Identifiers: ClinVar variation 2444851 (VCV002444851.1), dbSNP rs1262610955, ClinGen allele CA352535969.
Genomic context (GRCh38, chr3:47,084,195, plus strand): 5'-TTCAGTCTGCGAAACATTAGTTTCTTGGGAGTGTCTGTGTCAGCTTCTGTGCTCAGCTTG[G>C]TGGAAGGATCAGGTGTGTTGAGTGGTGTATGAGCACGCGATGTATTCTCACTAGAATACC-3'
Protein context (NP_054878.5, residues 1852-1872): HTPLNTPDPS[Thr1862Ser]KLSTEADTDT